The following is an entry in ClinVar:

NM_005585.5(SMAD6):c.477_478del (p.Glu160fs)

Gene: SMAD6 (SMAD family member 6; plus strand). Cytogenetic location: 15q22.31.
Variant type: Microsatellite.
Coding change: c.477_478del on transcript NM_005585.5 (MANE Select); coding-DNA positions 477 to 478, 2 bases deleted (CG; older notation c.477_478delCG).
Protein change: p.Glu160fs; shifts the reading frame from glutamic acid 160.
Molecular consequence: frameshift variant. On other transcripts: non-coding transcript variant (1).
Genome position (GRCh38, 1-based): chr15:66,703,735-66,703,736, CG deleted; deleting any 2 consecutive bases within chr15:66,703,733-66,703,736 gives the same sequence; the c. name uses the placement nearest the transcript's 3' end. VCF-style (leftmost placement, unchanged base first): chr15-66703732-TCG-T. GRCh37 (hg19) VCF-style: chr15-66996070-TCG-T.
Other names: short protein forms E160fs.
Identifiers: ClinVar variation 2024274 (VCV002024274.4), dbSNP rs2545311909, ClinGen allele CA2580613858.
Genomic context (GRCh38, chr15:66,703,732, plus strand): 5'-CCGGGACGCCAGCGACCCCCTGGCCGGGGCGGCCCTGGAGCCGGCGGGCGGCGGGCGGAG[TCG>T]CGAAGCGCGCTCGCGGCTGCTGCTGCTGGAGCAGGAACTCAAAACCGTCACGTACTCGCT-3'

ClinVar aggregate classification (germline): Uncertain significance (1 of 4 stars; one submission).

Conditions:
Aortic valve disease 2 (AOVD2). Identifiers: MedGen C3542024, MONDO:0013902, OMIM 614823.

Submission:

Labcorp Genetics (formerly Invitae), Labcorp
Classification: Uncertain significance for Aortic valve disease 2. Last evaluated: 2022-08-16. Review status: criteria provided, single submitter. Criteria: Invitae Variant Classification Sherloc (09022015). Collection method: clinical testing. Allele origin: germline.
Comment: In summary, the available evidence is currently insufficient to determine the role of this variant in disease. Therefore, it has been classified as a Variant of Uncertain Significance. This variant has not been reported in the literature in individuals affected with SMAD6-related conditions. This variant is not present in population databases (gnomAD no frequency). This sequence change creates a premature translational stop signal (p.Glu160Serfs*142) in the SMAD6 gene. It is expected to result in an absent or disrupted protein product. However, the current clinical and genetic evidence is not sufficient to establish whether loss-of-function variants in SMAD6 cause disease.